The following is an entry in ClinVar:

ClinVar aggregate classification (germline): Uncertain significance (1 of 4 stars; one submission).

Conditions:
Hypertrophic cardiomyopathy. Also called: HYPERTROPHIC MYOCARDIOPATHY. Identifiers: Orphanet 217569, MedGen C0007194, MeSH D002312, MONDO:0005045, HP:0001639.

gnomAD v4.1: 1 of 1,607,344 alleles (0.000062%); no homozygotes.

Submission:

Labcorp Genetics (formerly Invitae), Labcorp
Classification: Uncertain significance for Hypertrophic cardiomyopathy. Last evaluated: 2025-06-24. Review status: criteria provided, single submitter. Criteria: Invitae Variant Classification Sherloc (09022015). Collection method: clinical testing. Allele origin: germline.
Comment: This sequence change replaces isoleucine, which is neutral and non-polar, with leucine, which is neutral and non-polar, at codon 689 of the JPH2 protein (p.Ile689Leu). This variant is not present in population databases (gnomAD no frequency). This variant has not been reported in the literature in individuals affected with JPH2-related conditions. An algorithm developed to predict the effect of missense changes on protein structure and function (PolyPhen-2) suggests that this variant is likely to be disruptive. In summary, the available evidence is currently insufficient to determine the role of this variant in disease. Therefore, it has been classified as a Variant of Uncertain Significance.

NM_020433.5(JPH2):c.2065A>C (p.Ile689Leu)

Gene: JPH2 (junctophilin 2; minus strand). Cytogenetic location: 20q13.12.
Variant type: single nucleotide variant.
Coding change: c.2065A>C on transcript NM_020433.5 (MANE Select); coding-DNA position 2065, A replaced by C.
Protein change: p.Ile689Leu; replaces isoleucine 689 with leucine.
Molecular consequence: missense variant.
Genome position (GRCh38, 1-based): chr20:44,114,822, T>G on the plus strand (A>C on the coding strand, the complement: JPH2 is on the minus strand). VCF-style: chr20-44114822-T-G. GRCh37 (hg19) VCF-style: chr20-42743462-T-G.
Other names: short protein forms I689L.
Identifiers: ClinVar variation 4807926 (VCV004807926.1).